The following is an entry in ClinVar:

ClinVar aggregate classification (germline): Uncertain significance (1 of 4 stars; one submission).

Conditions:
Ornithine carbamoyltransferase deficiency (OTCD). Also called: ORNITHINE TRANSCARBAMYLASE DEFICIENCY; ORNITHINE TRANSCARBAMYLASE DEFICIENCY, HYPERAMMONEMIA DUE TO; Ornithine Carbamoyltransferase Deficiency Disease; OTC DEFICIENCY. Identifiers: Orphanet 664, MedGen C0268542, MONDO:0010703, OMIM 311250.

gnomAD v4.1: 1 of 1,210,926 alleles (0.000083%); highest among the groups gnomAD compares: South Asian, 0.0018%; no homozygotes.

Submission:

Labcorp Genetics (formerly Invitae), Labcorp
Classification: Uncertain significance for Ornithine carbamoyltransferase deficiency. Last evaluated: 2024-05-31. Review status: criteria provided, single submitter. Criteria: Invitae Variant Classification Sherloc (09022015). Collection method: clinical testing. Allele origin: germline.
Comment: This sequence change replaces threonine, which is neutral and polar, with alanine, which is neutral and non-polar, at codon 299 of the OTC protein (p.Thr299Ala). This variant is not present in population databases (gnomAD no frequency). This variant has not been reported in the literature in individuals affected with OTC-related conditions. Advanced modeling of protein sequence and biophysical properties (such as structural, functional, and spatial information, amino acid conservation, physicochemical variation, residue mobility, and thermodynamic stability) performed at Invitae indicates that this missense variant is expected to disrupt OTC protein function with a positive predictive value of 95%. In summary, the available evidence is currently insufficient to determine the role of this variant in disease. Therefore, it has been classified as a Variant of Uncertain Significance.

NM_000531.6(OTC):c.895A>G (p.Thr299Ala)

Gene: OTC (ornithine transcarbamylase; plus strand). Cytogenetic location: Xp11.4.
Variant type: single nucleotide variant.
Coding change: c.895A>G on transcript NM_000531.6 (MANE Select); coding-DNA position 895, A replaced by G.
Protein change: p.Thr299Ala; replaces threonine 299 with alanine.
Molecular consequence: missense variant.
Genome position (GRCh38, 1-based): chrX:38,411,889, A>G. VCF-style: chrX-38411889-A-G. GRCh37 (hg19) VCF-style: chrX-38271142-A-G.
Other names: c.895A>G, p.Thr299Ala (NM_001407092.1); short protein forms T299A.
Identifiers: ClinVar variation 3634888 (VCV003634888.2).